The following is an entry in ClinVar:

ClinVar aggregate classification (germline): Uncertain significance (1 of 4 stars; one submission).

Conditions:
Catecholaminergic polymorphic ventricular tachycardia 1. Also called: VENTRICULAR TACHYCARDIA, CATECHOLAMINERGIC POLYMORPHIC, 1, WITH OR WITHOUT ATRIAL DYSFUNCTION AND/OR DILATED CARDIOMYOPATHY; RYR2-Related Catecholaminergic Polymorphic Ventricular Tachycardia; VENTRICULAR TACHYCARDIA, STRESS-INDUCED POLYMORPHIC 1. Identifiers: Orphanet 3286, MedGen C1631597, MONDO:0011484, OMIM 604772.

Submission:

Labcorp Genetics (formerly Invitae), Labcorp
Classification: Uncertain significance for Catecholaminergic polymorphic ventricular tachycardia 1. Last evaluated: 2017-11-08. Review status: criteria provided, single submitter. Criteria: Invitae Variant Classification Sherloc (09022015). Collection method: clinical testing. Allele origin: germline.
Comment: In summary, the available evidence is currently insufficient to determine the role of this variant in disease. Therefore, it has been classified as a Variant of Uncertain Significance. Algorithms developed to predict the effect of sequence changes on RNA splicing suggest that this variant may create or strengthen a splice site, but this prediction has not been confirmed by published transcriptional studies. Algorithms developed to predict the effect of missense changes on protein structure and function do not agree on the potential impact of this missense change (SIFT: "Tolerated"; PolyPhen-2: "Probably Damaging"; Align-GVGD: "Class C0"). This variant has not been reported in the literature in individuals with TRDN-related disease. This variant is not present in population databases (ExAC no frequency). This sequence change replaces lysine with arginine at codon 556 of the TRDN protein (p.Lys556Arg). The lysine residue is weakly conserved and there is a small physicochemical difference between lysine and arginine.

NM_006073.4(TRDN):c.1667A>G (p.Lys556Arg)

Gene: TRDN (triadin; minus strand). Cytogenetic location: 6q22.31.
Variant type: single nucleotide variant.
Coding change: c.1667A>G on transcript NM_006073.4 (MANE Select); coding-DNA position 1667, A replaced by G.
Protein change: p.Lys556Arg; replaces lysine 556 with arginine.
Molecular consequence: missense variant.
Genome position (GRCh38, 1-based): chr6:123,272,969, T>C on the plus strand (A>G on the coding strand, the complement: TRDN is on the minus strand). VCF-style: chr6-123272969-T-C. GRCh37 (hg19) VCF-style: chr6-123594114-T-C.
Other names: short protein forms K556R.
Identifiers: ClinVar variation 532371 (VCV000532371.9), dbSNP rs1554219406, ClinGen allele CA365564757.